The following is an entry in ClinVar:

NM_001148.6(ANK2):c.1288-4G>A

Gene: ANK2 (ankyrin 2; plus strand). Cytogenetic location: 4q26.
Variant type: single nucleotide variant.
Coding change: c.1288-4G>A on transcript NM_001148.6 (MANE Select); 4 bases into the intron before coding-DNA position 1288, G replaced by A.
Molecular consequence: intron variant.
Genome position (GRCh38, 1-based): chr4:113,258,309, G>A. VCF-style: chr4-113258309-G-A. GRCh37 (hg19) VCF-style: chr4-114179465-G-A.
Other names: c.1276-4G>A (NM_001386186.2, NM_001386148.2); c.1176+2377G>A (NM_001354269.3); c.1252-4G>A (NM_001386187.2); c.1246-4G>A (NM_001386147.1, NM_001386160.1, NM_001354261.2); c.1225-4G>A (NM_001354254.2, NM_001354239.2, NM_001354252.2 and 14 more transcripts); c.1201-4G>A (NM_001354249.2, NM_001354266.2, NM_001354276.2 and 13 more transcripts); c.1101+2377G>A (NM_001386157.1, NM_001354277.2, NM_001386158.1); c.1333-4G>A (NM_001354241.2, NM_001386152.1, NM_001354237.2 and 5 more transcripts); and 4 more.
Identifiers: ClinVar variation 413953 (VCV000413953.12), dbSNP rs780788513, ClinGen allele CA3050256.

ClinVar aggregate classification (germline): Conflicting classifications of pathogenicity. Review status: criteria provided, conflicting classifications (1 of 4 stars). 2 submissions from 2 submitters: Uncertain significance (1); Likely benign (1). Last evaluated 2025-11-23.

Conditions:
Cardiovascular phenotype. Identifiers: MedGen CN230736.
Long QT syndrome (LQTS). Identifiers: MedGen C0023976, MeSH D008133, MONDO:0002442. Disease mechanism: loss of function. Inheritance: Various modes of inheritance.

Allele frequency attached by ClinVar (database versions not stated): TOPMed 0.00001; ExAC 0.00002; gnomAD exomes 0.00002; gnomAD 0.00006.
gnomAD v4.1: 26 of 1,613,590 alleles (0.0016%); highest among the groups gnomAD compares: South Asian, 0.0033%; no homozygotes.

Submissions (2):

Labcorp Genetics (formerly Invitae), Labcorp
Classification: Likely benign for Long QT syndrome. Last evaluated: 2025-11-23. Review status: criteria provided, single submitter. Criteria: Invitae Variant Classification Sherloc (09022015). Collection method: clinical testing. Allele origin: germline.

Ambry Genetics
Classification: Uncertain significance for Cardiovascular phenotype. Last evaluated: 2021-09-27. Review status: criteria provided, single submitter. Criteria: Ambry Variant Classification Scheme 2023. Collection method: clinical testing. Allele origin: germline.
Comment: The c.1288-4G>A intronic variant results from a G to A substitution 4 nucleotides upstream from coding exon 13 in the ANK2 gene. This nucleotide position is not well conserved in available vertebrate species. In silico splice site analysis predicts that this alteration will not have any significant effect on splicing. Since supporting evidence is limited at this time, the clinical significance of this alteration remains unclear.